The following is an entry in ClinVar:

ClinVar aggregate classification (germline): Conflicting classifications of pathogenicity. Review status: criteria provided, conflicting classifications (1 of 4 stars). 2 submissions from 2 submitters: Likely pathogenic (1); Uncertain significance (1). Last evaluated 2023-12-06.

Conditions:
Congenital multicore myopathy with external ophthalmoplegia (CMYO1B). Also called: Congenital myopathy 1B, autosomal recessive; Minicore myopathy; MULTIMINICORE DISEASE WITH EXTERNAL OPHTHALMOPLEGIA; MULTICORE MYOPATHY; Minicore myopathy with external ophthalmoplegia. Identifiers: Orphanet 598, Orphanet 98905, MedGen C1850674, MONDO:0009712, OMIM 255320, HP:0003789.
RYR1-related disorder. Also called: RYR1-related condition; RYR1-related disorders. Identifiers: MedGen CN239331.

Allele frequency attached by ClinVar (database versions not stated): TOPMed below 0.00001; gnomAD exomes 0.00001.
gnomAD v4.1: 3 of 1,612,756 alleles (0.00019%); highest among the groups gnomAD compares: Non-Finnish European, 0.00025%; no homozygotes.

Submissions (2):

Center for Human Genetics and Genomic Medicine, Uniklinik Rwth Aachen
Classification: Likely pathogenic for Congenital multicore myopathy with external ophthalmoplegia. Last evaluated: 2023-12-06. Review status: criteria provided, single submitter. Criteria: ACMG Guidelines, 2015. Collection method: clinical testing. Allele origin: germline. Inheritance: Autosomal recessive inheritance. Affected: yes.
Comment: The variant affects a consensus splice site. Segregation analysis was not performed. The variant is not present in large population data bases and there is an entry in ClinVar.

Labcorp Genetics (formerly Invitae), Labcorp
Classification: Uncertain significance for RYR1-related disorder. Last evaluated: 2022-07-03. Review status: criteria provided, single submitter. Criteria: Invitae Variant Classification Sherloc (09022015). Collection method: clinical testing. Allele origin: germline.
Comment: This sequence change affects codon 4004 of the RYR1 mRNA. It is a 'silent' change, meaning that it does not change the encoded amino acid sequence of the RYR1 protein. This variant also falls at the last nucleotide of exon 87, which is part of the consensus splice site for this exon. This variant is not present in population databases (gnomAD no frequency). This variant has not been reported in the literature in individuals affected with RYR1-related conditions. Variants that disrupt the consensus splice site are a relatively common cause of aberrant splicing (PMID: 17576681, 9536098). Algorithms developed to predict the effect of sequence changes on RNA splicing suggest that this variant may disrupt the consensus splice site. In summary, the available evidence is currently insufficient to determine the role of this variant in disease. Therefore, it has been classified as a Variant of Uncertain Significance.

Literature cited by the submitters: PubMed 17576681 (cited by Labcorp Genetics (formerly Invitae), Labcorp); PubMed 9536098 (cited by Labcorp Genetics (formerly Invitae), Labcorp).

NM_000540.3(RYR1):c.12012G>A (p.Gln4004=)

Gene: RYR1 (ryanodine receptor 1; plus strand). Cytogenetic location: 19q13.2.
Variant type: single nucleotide variant.
Coding change: c.12012G>A on transcript NM_000540.3 (MANE Select); coding-DNA position 12012, G replaced by A.
Protein change: p.Gln4004=; no amino-acid change (glutamine 4004 retained).
Molecular consequence: synonymous variant.
Genome position (GRCh38, 1-based): chr19:38,543,875, G>A. VCF-style: chr19-38543875-G-A. GRCh37 (hg19) VCF-style: chr19-39034515-G-A.
Other names: c.11997G>A, p.Gln3999= (NM_001042723.2).
Identifiers: ClinVar variation 2165746 (VCV002165746.3), dbSNP rs1438212286, ClinGen allele CA507242730.